The following is an entry in ClinVar:

ClinVar aggregate classification (germline): Uncertain significance (1 of 4 stars; one submission).

Conditions:
Dilated cardiomyopathy 1W (CMD1W). Identifiers: Orphanet 154, MedGen C1969639, MONDO:0012667, OMIM 611407.

gnomAD v4.1: 2 of 1,604,762 alleles (0.00012%); highest among the groups gnomAD compares: East Asian, 0.0045%; no homozygotes.

Submission:

Labcorp Genetics (formerly Invitae), Labcorp
Classification: Uncertain significance for Dilated cardiomyopathy 1W. Last evaluated: 2024-05-29. Review status: criteria provided, single submitter. Criteria: Invitae Variant Classification Sherloc (09022015). Collection method: clinical testing. Allele origin: germline.
Comment: This sequence change creates a premature translational stop signal (p.Glu28*) in the VCL gene. It is expected to result in an absent or disrupted protein product. However, the current clinical and genetic evidence is not sufficient to establish whether loss-of-function variants in VCL cause disease. This variant is not present in population databases (gnomAD no frequency). This variant has not been reported in the literature in individuals affected with VCL-related conditions. In summary, the available evidence is currently insufficient to determine the role of this variant in disease. Therefore, it has been classified as a Variant of Uncertain Significance.

NM_014000.3(VCL):c.82G>T (p.Glu28Ter)

Genes: VCL (vinculin; plus strand), LOC130004109 (ATAC-STARR-seq lymphoblastoid active region 3587; plus strand). Cytogenetic location: 10q22.2.
Variant type: single nucleotide variant.
Coding change: c.82G>T on transcript NM_014000.3 (MANE Select); coding-DNA position 82, G replaced by T.
Protein change: p.Glu28Ter; replaces glutamic acid 28 with a stop codon.
Molecular consequence: nonsense.
Genome position (GRCh38, 1-based): chr10:73,998,289, G>T. VCF-style: chr10-73998289-G-T. GRCh37 (hg19) VCF-style: chr10-75758047-G-T.
Other names: c.82G>T, p.Glu28Ter (NM_003373.4); short protein forms E28*.
Identifiers: ClinVar variation 3655053 (VCV003655053.2).
Genomic context (GRCh38, chr10:73,998,289, plus strand): 5'-ACGATCGAGAGCATCCTGGAGCCGGTGGCACAGCAGATCTCCCACCTGGTGATAATGCAC[G>T]AGGAGGGCGAGGTGGACGGCAAAGCCATTCCTGACCTCACCGCGCCCGTGGCCGCCGTGC-3'